The following is an entry in ClinVar:

NM_006206.6(PDGFRA):c.1425G>T (p.Glu475Asp)

Gene: PDGFRA (platelet derived growth factor receptor alpha; plus strand). Cytogenetic location: 4q12.
Variant type: single nucleotide variant.
Coding change: c.1425G>T on transcript NM_006206.6 (MANE Select); coding-DNA position 1425, G replaced by T.
Protein change: p.Glu475Asp; replaces glutamic acid 475 with aspartic acid.
Molecular consequence: missense variant.
Genome position (GRCh38, 1-based): chr4:54,273,597, G>T. VCF-style: chr4-54273597-G-T. GRCh37 (hg19) VCF-style: chr4-55139764-G-T.
Other names: c.1425G>T, p.Glu475Asp (NM_001347827.2, NM_001347829.2); c.1500G>T, p.Glu500Asp (NM_001347828.2); c.1464G>T, p.Glu488Asp (NM_001347830.2); c.1425G>T (NM_006206.5); short protein forms E475D, E488D, E500D.
Identifiers: ClinVar variation 407379 (VCV000407379.18), dbSNP rs200309940, ClinGen allele CA2922563.

ClinVar aggregate classification (germline): Conflicting classifications of pathogenicity. Review status: criteria provided, conflicting classifications (1 of 4 stars). 6 submissions from 6 submitters: Uncertain significance (4); Likely benign (2). Last evaluated 2026-06-25.

Conditions:
PDGFRA-related disorder. Also called: PDGFRA-related condition.
Polyps, multiple and recurrent inflammatory fibroid, gastrointestinal. Identifiers: MedGen C5193005, MONDO:0008285, OMIM 175510.
Hereditary cancer-predisposing syndrome. Also called: Neoplastic Syndromes, Hereditary; Tumor predisposition; Hereditary Cancer Syndrome; Hereditary neoplastic syndrome. Identifiers: Orphanet 140162, MedGen C0027672, MeSH D009386, MONDO:0015356.
Gastrointestinal stromal tumor. Also called: Gastrointestinal stroma tumor; Gastrointestinal stromal tumor, somatic. Identifiers: Orphanet 44890, MedGen C0238198, MeSH D046152, MONDO:0011719, OMIM 606764, HP:0100723.

Allele frequency attached by ClinVar (database versions not stated): gnomAD 0.00001; TOPMed 0.00005.
gnomAD v4.1: 30 of 1,613,956 alleles (0.0019%); highest among the groups gnomAD compares: Non-Finnish European, 0.0025%; no homozygotes.

Submissions (6):

PreventionGenetics, part of Exact Sciences
Classification: Uncertain significance for PDGFRA-related condition. Last evaluated: 2026-06-25. Review status: criteria provided, single submitter. Criteria: ACMG Guidelines, 2015. Collection method: clinical testing. Allele origin: germline.
Comment: The PDGFRA c.1425G>T variant is predicted to result in the amino acid substitution p.Glu475Asp. To our knowledge, this variant has not been reported in the literature. This variant is reported in 0.0039% of alleles in individuals of European (Non-Finnish) descent in gnomAD. This variant has conflicting interpretations of uncertain and likely benign in ClinVar (Variation ID: 407379). At this time, the clinical significance of this variant is uncertain due to the absence of conclusive functional and genetic evidence.

Myriad Genetics, Inc.
Classification: Likely benign for Polyps, multiple and recurrent inflammatory fibroid, gastrointestinal. Last evaluated: 2026-06-15. Review status: criteria provided, single submitter. Criteria: Myriad Autosomal Dominant, Autosomal Recessive and X-Linked Classification Criteria (2023). Collection method: clinical testing. Allele origin: unknown.
Comment: This variant is considered likely benign. This variant has been observed at a population frequency that is significantly greater than expected given the associated disease prevalence and penetrance.

Labcorp Genetics (formerly Invitae), Labcorp
Classification: Uncertain significance for Gastrointestinal stromal tumor. Last evaluated: 2025-11-21. Review status: criteria provided, single submitter. Criteria: Invitae Variant Classification Sherloc (09022015). Collection method: clinical testing. Allele origin: germline.
Comment: This sequence change replaces glutamic acid, which is acidic and polar, with aspartic acid, which is acidic and polar, at codon 475 of the PDGFRA protein (p.Glu475Asp). This variant is present in population databases (rs200309940, gnomAD 0.003%). This variant has not been reported in the literature in individuals affected with PDGFRA-related conditions. ClinVar contains an entry for this variant (Variation ID: 407379). An algorithm developed to predict the effect of missense changes on protein structure and function (PolyPhen-2) suggests that this variant is likely to be tolerated. In summary, the available evidence is currently insufficient to determine the role of this variant in disease. Therefore, it has been classified as a Variant of Uncertain Significance.

Baylor Genetics
Classification: Uncertain significance for Polyps, multiple and recurrent inflammatory fibroid, gastrointestinal. Last evaluated: 2024-01-22. Review status: criteria provided, single submitter. Criteria: ACMG Guidelines, 2015. Collection method: clinical testing. Allele origin: unknown.

GeneDx
Classification: Uncertain significance. Last evaluated: 2022-11-16. Review status: criteria provided, single submitter. Criteria: GeneDx Variant Classification Process June 2021. Collection method: clinical testing. Allele origin: germline. Affected: yes.
Comment: Not observed at significant frequency in large population cohorts (gnomAD); In silico analysis supports that this missense variant does not alter protein structure/function; Has not been previously published as pathogenic or benign to our knowledge

Ambry Genetics
Classification: Likely benign for Hereditary cancer-predisposing syndrome. Last evaluated: 2021-10-25. Review status: criteria provided, single submitter. Criteria: Ambry Variant Classification Scheme 2023. Collection method: clinical testing. Allele origin: germline.